The following is an entry in ClinVar:

ClinVar aggregate classification (germline): Uncertain significance. Review status: criteria provided, multiple submitters, no conflicts (2 of 4 stars). 2 submissions from 2 submitters: Uncertain significance (2). Last evaluated 2025-02-01.

Conditions:
Inborn genetic diseases. Identifiers: MedGen C0950123, MeSH D030342.
Carnitine palmitoyl transferase 1A deficiency. Also called: CPT I DEFICIENCY; CPT DEFICIENCY, HEPATIC, TYPE I; CPT deficiency, hepatic, type IA; Carnitine palmitoyltransferase 1A deficiency; Carnitine palmitoyltransferase type I deficiency. Identifiers: Orphanet 156, MedGen C1829703, MONDO:0009705, OMIM 255120.

Allele frequency attached by ClinVar (database versions not stated): ExAC 0.00001; gnomAD exomes 0.00001.
gnomAD v4.1: 8 of 1,614,074 alleles (0.0005%); highest among the groups gnomAD compares: East Asian, 0.0067%; no homozygotes.

Submissions (2):

Ambry Genetics
Classification: Uncertain significance for Inborn genetic diseases. Last evaluated: 2025-02-01. Review status: criteria provided, single submitter. Criteria: Ambry Variant Classification Scheme 2023. Collection method: clinical testing. Allele origin: germline.

Labcorp Genetics (formerly Invitae), Labcorp
Classification: Uncertain significance for Carnitine palmitoyl transferase 1A deficiency. Last evaluated: 2022-10-17. Review status: criteria provided, single submitter. Criteria: Invitae Variant Classification Sherloc (09022015). Collection method: clinical testing. Allele origin: germline.
Comment: In summary, the available evidence is currently insufficient to determine the role of this variant in disease. Therefore, it has been classified as a Variant of Uncertain Significance. Advanced modeling of protein sequence and biophysical properties (such as structural, functional, and spatial information, amino acid conservation, physicochemical variation, residue mobility, and thermodynamic stability) has been performed at Invitae for this missense variant, however the output from this modeling did not meet the statistical confidence thresholds required to predict the impact of this variant on CPT1A protein function. This variant has not been reported in the literature in individuals affected with CPT1A-related conditions. This variant is present in population databases (rs776306063, gnomAD 0.02%). This sequence change replaces valine, which is neutral and non-polar, with methionine, which is neutral and non-polar, at codon 662 of the CPT1A protein (p.Val662Met).

NM_001876.4(CPT1A):c.1984G>A (p.Val662Met)

Gene: CPT1A (carnitine palmitoyltransferase 1A; minus strand). Cytogenetic location: 11q13.3.
Variant type: single nucleotide variant.
Coding change: c.1984G>A on transcript NM_001876.4 (MANE Select); coding-DNA position 1984, G replaced by A.
Protein change: p.Val662Met; replaces valine 662 with methionine.
Molecular consequence: missense variant.
Genome position (GRCh38, 1-based): chr11:68,761,579, C>T on the plus strand (G>A on the coding strand, the complement: CPT1A is on the minus strand). VCF-style: chr11-68761579-C-T. GRCh37 (hg19) VCF-style: chr11-68529047-C-T.
Other names: c.1984G>A (NM_001876.3); c.1984G>A, p.Val662Met (NM_001031847.3); short protein forms V662M.
Identifiers: ClinVar variation 1932180 (VCV001932180.4), dbSNP rs776306063, ClinGen allele CA6152136.